The following is an entry in ClinVar:

NM_004006.3(DMD):c.5548A>T (p.Lys1850Ter)

Gene: DMD (dystrophin; minus strand). Cytogenetic location: Xp21.1.
Variant type: single nucleotide variant.
Coding change: c.5548A>T on transcript NM_004006.3 (MANE Select); coding-DNA position 5548, A replaced by T.
Protein change: p.Lys1850Ter; replaces lysine 1850 with a stop codon.
Molecular consequence: nonsense.
Genome position (GRCh38, 1-based): chrX:32,345,981, T>A on the plus strand (A>T on the coding strand, the complement: DMD is on the minus strand). VCF-style: chrX-32345981-T-A. GRCh37 (hg19) VCF-style: chrX-32364098-T-A.
Other names: c.5524A>T, p.Lys1842Ter (NM_000109.4); c.5536A>T, p.Lys1846Ter (NM_004009.3); c.5179A>T, p.Lys1727Ter (NM_004010.3); c.1525A>T, p.Lys509Ter (NM_004011.4); c.1516A>T, p.Lys506Ter (NM_004012.4); short protein forms K1727*, K1842*, K1846*, K1850*, K506*, K509*.
Identifiers: ClinVar variation 1724896 (VCV001724896.3), dbSNP rs141261536, ClinGen allele CA412667293.

ClinVar aggregate classification (germline): Likely pathogenic (1 of 4 stars; one submission).

Conditions:
Progressive muscular dystrophy. Identifiers: Orphanet 206644, MedGen C4551827, MONDO:0016106.

Submission:

Myriad Genetics, Inc.
Classification: Likely pathogenic for Progressive muscular dystrophy. Last evaluated: 2022-03-02. Review status: criteria provided, single submitter. Criteria: Myriad Autosomal Dominant, Autosomal Recessive and X-Linked Classification Criteria (2023). Collection method: clinical testing. Allele origin: unknown.
Comment: NM_004006.2(DMD):c.5548A>T(K1850*) is expected to be pathogenic in the context of dystrophinopathy (including Duchenne/Becker muscular dystrophy). This variant is predicted to lead to an abnormal or absent protein product due to the creation of a premature termination codon in DMD, a gene where loss-of-function variants are known to be pathogenic. Please note: this variant was assessed in the context of healthy population screening.